The following is an entry in ClinVar:

ClinVar aggregate classification (germline): Uncertain significance (1 of 4 stars; one submission).

Allele frequency attached by ClinVar (database versions not stated): gnomAD exomes below 0.00001; TOPMed below 0.00001; gnomAD 0.00001.

Submission:

Labcorp Genetics (formerly Invitae), Labcorp
Classification: Uncertain significance. Last evaluated: 2023-06-06. Review status: criteria provided, single submitter. Criteria: Invitae Variant Classification Sherloc (09022015). Collection method: clinical testing. Allele origin: germline.
Comment: In summary, the available evidence is currently insufficient to determine the role of this variant in disease. Therefore, it has been classified as a Variant of Uncertain Significance. Advanced modeling of protein sequence and biophysical properties (such as structural, functional, and spatial information, amino acid conservation, physicochemical variation, residue mobility, and thermodynamic stability) performed at Invitae indicates that this missense variant is expected to disrupt GATA5 protein function. This variant has not been reported in the literature in individuals affected with GATA5-related conditions. This variant is not present in population databases (gnomAD no frequency). This sequence change replaces glycine, which is neutral and non-polar, with alanine, which is neutral and non-polar, at codon 260 of the GATA5 protein (p.Gly260Ala).

NM_080473.5(GATA5):c.779G>C (p.Gly260Ala)

Gene: GATA5 (GATA binding protein 5; minus strand). Cytogenetic location: 20q13.33.
Variant type: single nucleotide variant.
Coding change: c.779G>C on transcript NM_080473.5 (MANE Select); coding-DNA position 779, G replaced by C.
Protein change: p.Gly260Ala; replaces glycine 260 with alanine.
Molecular consequence: missense variant.
Genome position (GRCh38, 1-based): chr20:62,466,472, C>G on the plus strand (G>C on the coding strand, the complement: GATA5 is on the minus strand). VCF-style: chr20-62466472-C-G. GRCh37 (hg19) VCF-style: chr20-61041528-C-G.
Other names: short protein forms G260A.
Identifiers: ClinVar variation 2783482 (VCV002783482.3), dbSNP rs1426761225, ClinGen allele CA409553896.